The following is an entry in ClinVar:

ClinVar aggregate classification (germline): Pathogenic/Likely pathogenic. Review status: criteria provided, multiple submitters, no conflicts (2 of 4 stars). 2 submissions from 2 submitters: Pathogenic (1); Likely pathogenic (1). Last evaluated 2026-02-25.

Conditions:
SCN9A-related disorder. Also called: SCN9A-related disorders; SCN9A-related condition.
Neuropathy, hereditary sensory and autonomic, type 2A (HSAN2A). Also called: ACROOSTEOLYSIS, GIACCAI TYPE; ACROOSTEOLYSIS, NEUROGENIC; WNK1-Related HSAN2 (HSAN2A); MORVAN DISEASE; NEUROPATHY, CONGENITAL SENSORY; NEUROPATHY, HEREDITARY SENSORY RADICULAR, AUTOSOMAL RECESSIVE. Identifiers: Orphanet 970, MedGen C2752089, MONDO:0024309, OMIM 201300.
Generalized epilepsy with febrile seizures plus, type 7 (GEFSP7). Also called: GEFS+, TYPE 7. Identifiers: Orphanet 36387, MedGen C2751778, MONDO:0013470, OMIM 613863.

Allele frequency attached by ClinVar (database versions not stated): TOPMed below 0.00001; ExAC 0.00002.
gnomAD v4.1: 6 of 1,613,674 alleles (0.00037%); highest among the groups gnomAD compares: East Asian, 0.0045%; no homozygotes.

Submissions (2):

PreventionGenetics, part of Exact Sciences
Classification: Likely pathogenic for SCN9A-related condition. Last evaluated: 2026-02-25. Review status: criteria provided, single submitter. Criteria: ACMG Guidelines, 2015. Collection method: clinical testing. Allele origin: germline.
Comment: The SCN9A c.4108C>T variant is predicted to result in premature protein termination (p.Arg1370*). To our knowledge, this variant has not been reported in the literature in individuals affected with SCN9A-related conditions. This variant is reported in 0.017% of alleles in individuals of East Asian descent in gnomAD. Nonsense variants in SCN9A are expected to be pathogenic. This variant is interpreted as likely pathogenic.

Labcorp Genetics (formerly Invitae), Labcorp
Classification: Pathogenic for Neuropathy, hereditary sensory and autonomic, type 2A; Generalized epilepsy with febrile seizures plus, type 7. Last evaluated: 2024-07-09. Review status: criteria provided, single submitter. Criteria: Invitae Variant Classification Sherloc (09022015). Collection method: clinical testing. Allele origin: germline.
Comment: This sequence change creates a premature translational stop signal (p.Arg1370*) in the SCN9A gene. It is expected to result in an absent or disrupted protein product. Loss-of-function variants in SCN9A are known to be pathogenic (PMID: 17470132, 19304393). This variant is present in population databases (rs748159444, gnomAD 0.02%). This variant has not been reported in the literature in individuals affected with SCN9A-related conditions. ClinVar contains an entry for this variant (Variation ID: 2141833). Algorithms developed to predict the effect of sequence changes on RNA splicing suggest that this variant may disrupt the consensus splice site. For these reasons, this variant has been classified as Pathogenic.

Literature cited by the submitters: PubMed 17470132 (cited by Labcorp Genetics (formerly Invitae), Labcorp); PubMed 19304393 (cited by Labcorp Genetics (formerly Invitae), Labcorp).

NM_001365536.1(SCN9A):c.4141C>T (p.Arg1381Ter)

Genes: SCN9A (sodium voltage-gated channel alpha subunit 9; minus strand), SCN1A-AS1 (SCN1A and SCN9A antisense RNA 1; plus strand). Cytogenetic location: 2q24.3.
Variant type: single nucleotide variant.
Coding change: c.4141C>T on transcript NM_001365536.1 (MANE Select); coding-DNA position 4141, C replaced by T.
Protein change: p.Arg1381Ter; replaces arginine 1381 with a stop codon.
Molecular consequence: nonsense.
Genome position (GRCh38, 1-based): chr2:166,228,756, G>A on the plus strand (C>T on the coding strand, the complement: SCN9A is on the minus strand). VCF-style: chr2-166228756-G-A. GRCh37 (hg19) VCF-style: chr2-167085266-G-A.
Other names: c.4108C>T, p.Arg1370Ter (NM_002977.4); short protein forms R1370*, R1381*.
Identifiers: ClinVar variation 2141833 (VCV002141833.5), dbSNP rs748159444, ClinGen allele CA1943944.